The following is an entry in ClinVar:

ClinVar aggregate classification (germline): Likely benign (1 of 4 stars; one submission).

Submission:

CeGaT Center for Human Genetics Tuebingen
Classification: Likely benign. Last evaluated: 2024-03-01. Review status: criteria provided, single submitter. Criteria: CeGaT Center For Human Genetics Tuebingen Variant Classification Criteria Version 2. Collection method: clinical testing. Allele origin: germline. Affected: yes. Observed: 2 variant alleles.
Comment: CACNA1A: PM2:Supporting, BP4, BP7

NM_001127222.2(CACNA1A):c.6960G>A (p.Gln2320=)

Genes: CACNA1A (calcium voltage-gated channel subunit alpha1 A; minus strand), LOC108663985 (calcium voltage-gated channel subunit alpha1 A repeat instability region; plus strand). Cytogenetic location: 19p13.13.
Variant type: single nucleotide variant.
Coding change: c.6960G>A on transcript NM_001127222.2 (MANE Select); coding-DNA position 6960, G replaced by A.
Protein change: p.Gln2320=; no amino-acid change (glutamine 2320 retained).
Molecular consequence: synonymous variant. On other transcripts: 3 prime UTR variant (3).
Genome position (GRCh38, 1-based): chr19:13,207,874, C>T on the plus strand (G>A on the coding strand, the complement: CACNA1A is on the minus strand). VCF-style: chr19-13207874-C-T. GRCh37 (hg19) VCF-style: chr19-13318688-C-T.
Other names: c.*172G>A (NM_000068.4, NM_001127221.2, NM_001174080.2); c.6978G>A, p.Gln2326= (NM_023035.3).
Identifiers: ClinVar variation 2649379 (VCV002649379.24), dbSNP rs1235604329, ClinGen allele CA505658943.